The following is an entry in ClinVar:

ClinVar aggregate classification (germline): Uncertain significance (1 of 4 stars; one submission).

Conditions:
Encephalopathy, acute, infection-induced (herpes-specific), susceptibility to, 1. Also called: Herpes simplex encephalitis, susceptibility to, 1. Identifiers: Orphanet 1930, MedGen C2750180, MONDO:0024563, OMIM 610551.

Submission:

Labcorp Genetics (formerly Invitae), Labcorp
Classification: Uncertain significance for Encephalopathy, acute, infection-induced (herpes-specific), susceptibility to, 1. Last evaluated: 2022-06-05. Review status: criteria provided, single submitter. Criteria: Invitae Variant Classification Sherloc (09022015). Collection method: clinical testing. Allele origin: germline.
Comment: In summary, the available evidence is currently insufficient to determine the role of this variant in disease. Therefore, it has been classified as a Variant of Uncertain Significance. ClinVar contains an entry for this variant (Variation ID: 570478). This variant has not been reported in the literature in individuals affected with UNC93B1-related conditions. This variant is not present in population databases (gnomAD no frequency). This sequence change replaces glutamine, which is neutral and polar, with histidine, which is basic and polar, at codon 206 of the UNC93B1 protein (p.Gln206His).

NM_030930.4(UNC93B1):c.618G>T (p.Gln206His)

Gene: UNC93B1 (unc-93B1 regulator of TLR signaling; minus strand). Cytogenetic location: 11q13.2.
Variant type: single nucleotide variant.
Coding change: c.618G>T on transcript NM_030930.4 (MANE Select); coding-DNA position 618, G replaced by T.
Protein change: p.Gln206His; replaces glutamine 206 with histidine.
Molecular consequence: missense variant.
Genome position (GRCh38, 1-based): chr11:67,999,242, C>A on the plus strand (G>T on the coding strand, the complement: UNC93B1 is on the minus strand). VCF-style: chr11-67999242-C-A. GRCh37 (hg19) VCF-style: chr11-67766712-C-A.
Other names: short protein forms Q206H.
Identifiers: ClinVar variation 570478 (VCV000570478.8), dbSNP rs1435279681, ClinGen allele CA381575920.
Genomic context (GRCh38, chr11:67,999,242, plus strand): 5'-GCTGTAGAAGATGGCTTGGAAGACCAGGAGATAGGGCGCGTGGGAGCCCCGCGGAGGCCG[C>A]TGCTTCATCCCCTGCCCATCCTGCTCCTTGTAGTGGGAGTACTCATGGTACTTCTGCGCC-3'
Protein context (NP_112192.2, residues 196-216): YKEQDGQGMK[Gln206His]RPPRGSHAPY